The following is an entry in ClinVar:

ClinVar aggregate classification (germline): Uncertain significance. Review status: criteria provided, multiple submitters, no conflicts (2 of 4 stars). 2 submissions from 2 submitters: Uncertain significance (2). Last evaluated 2025-11-18.

Conditions:
Hereditary cancer-predisposing syndrome. Also called: Hereditary Cancer Syndrome; Neoplastic Syndromes, Hereditary; Tumor predisposition; Hereditary neoplastic syndrome. Identifiers: Orphanet 140162, MedGen C0027672, MeSH D009386, MONDO:0015356.
BAP1-related tumor predisposition syndrome (TPDS1). Also called: BAP1 tumor predisposition syndrome; Tumor susceptibility linked to germline BAP1 mutations; TUMOR PREDISPOSITION SYNDROME 1; COMMON Syndrome. Identifiers: Orphanet 289539, MedGen C3280492, MONDO:0013692, OMIM 614327.

Submissions (2):

Labcorp Genetics (formerly Invitae), Labcorp
Classification: Uncertain significance for BAP1-related tumor predisposition syndrome. Last evaluated: 2025-11-18. Review status: criteria provided, single submitter. Criteria: Invitae Variant Classification Sherloc (09022015). Collection method: clinical testing. Allele origin: germline.
Comment: This variant, c.1214_1225dup, results in the insertion of 4 amino acid(s) of the BAP1 protein (p.Glu405_Asp408dup), but otherwise preserves the integrity of the reading frame. This variant is not present in population databases (gnomAD no frequency). This variant has not been reported in the literature in individuals affected with BAP1-related conditions. ClinVar contains an entry for this variant (Variation ID: 1021708). Experimental studies and prediction algorithms are not available or were not evaluated, and the functional significance of this variant is currently unknown. In summary, the available evidence is currently insufficient to determine the role of this variant in disease. Therefore, it has been classified as a Variant of Uncertain Significance.

Color Diagnostics, LLC DBA Color Health
Classification: Uncertain significance for Hereditary cancer-predisposing syndrome. Last evaluated: 2023-10-16. Review status: criteria provided, single submitter. Criteria: ACMG Guidelines, 2015. Collection method: clinical testing. Allele origin: germline.
Comment: This variant causes an in-frame insertion of four amino acids in the BAP1 protein. To our knowledge, functional studies have not been reported for this variant. This variant has not been reported in individuals affected with BAP1-related disorders in the literature. This variant has not been identified in the general population by the Genome Aggregation Database (gnomAD). The available evidence is insufficient to determine the role of this variant in disease conclusively. Therefore, this variant is classified as a Variant of Uncertain Significance.

NM_004656.4(BAP1):c.1214_1225dup (p.Glu405_Asp408dup)

Gene: BAP1 (BRCA1 associated deubiquitinase 1; minus strand). Cytogenetic location: 3p21.1.
Variant type: Duplication.
Coding change: c.1214_1225dup on transcript NM_004656.4 (MANE Select); coding-DNA positions 1214 to 1225, 12 bases duplicated (AGGAGGATGACG).
Protein change: p.Glu405_Asp408dup.
Molecular consequence: inframe insertion.
Genome position (GRCh38, 1-based): chr3:52,404,478-52,404,489, CGTCATCCTCCT duplicated on the plus strand (AGGAGGATGACG on the coding strand, the reverse complement: BAP1 is on the minus strand); duplicating any 12 consecutive bases within chr3:52,404,478-52,404,499 gives the same sequence; the c. name uses the placement nearest the transcript's 3' end. VCF-style (leftmost placement, unchanged base first): chr3-52404477-A-ACGTCATCCTCCT. GRCh37 (hg19) VCF-style: chr3-52438493-A-ACGTCATCCTCCT.
Identifiers: ClinVar variation 1021708 (VCV001021708.7), dbSNP rs1553645109, ClinGen allele CA1364837861.
Genomic context (GRCh38, chr3:52,404,477, plus strand): 5'-ACCTAGAACCTGGTAGCCTTAGAAAGCTGGGCTGACCTAAGGGCAGAGTTGGTGTTCTGC[A>ACGTCATCCTCCT]CGTCATCCTCCTCGTCATCCTCATAGTCATCCTCATCATCTGAGTACTGCTGGGGTGGGC-3'